The following is an entry in ClinVar:

ClinVar aggregate classification (germline): Uncertain significance (1 of 4 stars; one submission).

Submission:

Labcorp Genetics (formerly Invitae), Labcorp
Classification: Uncertain significance. Last evaluated: 2023-05-09. Review status: criteria provided, single submitter. Criteria: Invitae Variant Classification Sherloc (09022015). Collection method: clinical testing. Allele origin: germline.
Comment: This sequence change creates a premature translational stop signal (p.Pro350Glnfs*18) in the RECQL gene. It is expected to result in an absent or disrupted protein product. However, the current clinical and genetic evidence is not sufficient to establish whether loss-of-function variants in RECQL cause disease. This variant is not present in population databases (gnomAD no frequency). This variant has not been reported in the literature in individuals affected with RECQL-related conditions. In summary, the available evidence is currently insufficient to determine the role of this variant in disease. Therefore, it has been classified as a Variant of Uncertain Significance.

NM_002907.4(RECQL):c.1049del (p.Pro350fs)

Gene: RECQL (RecQ like helicase; minus strand). Cytogenetic location: 12p12.1.
Variant type: Deletion.
Coding change: c.1049del on transcript NM_002907.4 (MANE Select); coding-DNA position 1049, one base deleted (C; older notation c.1049delC).
Protein change: p.Pro350fs; shifts the reading frame from proline 350.
Molecular consequence: frameshift variant.
Genome position (GRCh38, 1-based): chr12:21,475,725, G deleted on the plus strand (C on the coding strand, the reverse complement: RECQL is on the minus strand); the first of 2 consecutive G bases (chr12:21,475,725-21,475,726); deleting either gives the same sequence. VCF-style (leftmost placement, unchanged base first): chr12-21475724-TG-T. GRCh37 (hg19) VCF-style: chr12-21628658-TG-T.
Other names: c.1049del, p.Pro350fs (NM_032941.3); short protein forms P350fs.
Identifiers: ClinVar variation 2903009 (VCV002903009.3), dbSNP rs2540346265, ClinGen allele CA2617913315.